The following is an entry in ClinVar:

NM_001193313.2(SUGCT):c.-6C>T

Genes: SUGCT (succinyl-CoA:glutarate-CoA transferase; plus strand), LOC129998297 (ATAC-STARR-seq lymphoblastoid silent region 18118; plus strand). Cytogenetic location: 7p14.1.
Variant type: single nucleotide variant.
Coding change: c.-6C>T on transcript NM_001193313.2 (MANE Select); 6 bases upstream of the start codon, C replaced by T.
Molecular consequence: 5 prime UTR variant.
Genome position (GRCh38, 1-based): chr7:40,135,015, C>T. VCF-style: chr7-40135015-C-T. GRCh37 (hg19) VCF-style: chr7-40174614-C-T.
Other names: c.-6C>T (NM_001193311.2, NM_001193312.2, NM_024728.3); short protein forms H6Y.
Identifiers: ClinVar variation 559296 (VCV000559296.10), dbSNP rs202171580, ClinGen allele CA4229290.

ClinVar aggregate classification (germline): Uncertain significance. Review status: criteria provided, multiple submitters, no conflicts (2 of 4 stars). 3 submissions from 3 submitters: Uncertain significance (2). 1 of the submissions does not count toward it. Last evaluated 2024-02-21.

Allele frequency attached by ClinVar (database versions not stated): gnomAD 0.00015 and 0.00014; ESP Exome Variant Server 0.00017; TOPMed 0.00017; gnomAD exomes 0.00019 and 0.00023; ExAC 0.00111.
gnomAD v4.1: 284 of 1,559,032 alleles (0.018%); highest among the groups gnomAD compares: Non-Finnish European, 0.019%; 1 homozygote.

Submissions (3):

Ambry Genetics
Classification: Uncertain significance. Last evaluated: 2024-02-21. Review status: criteria provided, single submitter. Criteria: Ambry Variant Classification Scheme 2023. Collection method: clinical testing. Allele origin: germline.

Labcorp Genetics (formerly Invitae), Labcorp
Classification: Uncertain significance. Last evaluated: 2022-03-10. Review status: criteria provided, single submitter. Criteria: Invitae Variant Classification Sherloc (09022015). Collection method: clinical testing. Allele origin: germline.
Comment: This variant has not been reported in the literature in individuals affected with SUGCT-related conditions. This variant is present in population databases (rs202171580, gnomAD 0.08%). This sequence change replaces histidine, which is basic and polar, with tyrosine, which is neutral and polar, at codon 6 of the SUGCT protein (p.His6Tyr). In summary, the available evidence is currently insufficient to determine the role of this variant in disease. Therefore, it has been classified as a Variant of Uncertain Significance. Algorithms developed to predict the effect of sequence changes on RNA splicing suggest that this variant may create or strengthen a splice site. Algorithms developed to predict the effect of missense changes on protein structure and function are either unavailable or do not agree on the potential impact of this missense change (SIFT: "Tolerated"; PolyPhen-2: "Not Available"; Align-GVGD: "Class C0"). ClinVar contains an entry for this variant (Variation ID: 559296).

Mayo Clinic Laboratories, Mayo Clinic
Classification: Uncertain significance. Last evaluated: 2016-02-23. Review status: no assertion criteria provided. Collection method: clinical testing. Allele origin: unknown. Not counted in ClinVar's aggregate classification.